The following is an entry in ClinVar:

NM_000051.4(ATM):c.430A>G (p.Ile144Val)

Gene: ATM (ATM serine/threonine kinase; plus strand). Cytogenetic location: 11q22.3.
Variant type: single nucleotide variant.
Coding change: c.430A>G on transcript NM_000051.4 (MANE Select); coding-DNA position 430, A replaced by G.
Protein change: p.Ile144Val; replaces isoleucine 144 with valine.
Molecular consequence: missense variant.
Genome position (GRCh38, 1-based): chr11:108,235,768, A>G. VCF-style: chr11-108235768-A-G. GRCh37 (hg19) VCF-style: chr11-108106495-A-G.
Other names: c.430A>G, p.Ile144Val (NM_001351834.2); short protein forms I144V.
Identifiers: ClinVar variation 453513 (VCV000453513.20), dbSNP rs1555059323, ClinGen allele CA382525196.

ClinVar aggregate classification (germline): Uncertain significance. Review status: criteria provided, multiple submitters, no conflicts (2 of 4 stars). 5 submissions from 5 submitters: Uncertain significance (4). 1 of the submissions does not count toward it. Last evaluated 2025-07-02.

Conditions:
Hereditary cancer-predisposing syndrome. Also called: Neoplastic Syndromes, Hereditary; Hereditary Cancer Syndrome; Hereditary neoplastic syndrome; Tumor predisposition. Identifiers: Orphanet 140162, MedGen C0027672, MeSH D009386, MONDO:0015356.
Ataxia-telangiectasia syndrome (AT). Also called: Ataxia-telangiectasia, complementation group D; AT, COMPLEMENTATION GROUP C; ATAXIA-TELANGIECTASIA, COMPLEMENTATION GROUP A; ATAXIA-TELANGIECTASIA, FRESNO VARIANT; Cerebello-oculocutaneous telangiectasia; Immunodeficiency with ataxia telangiectasia. Identifiers: Orphanet 100, MedGen C0004135, MONDO:0008840, OMIM 208900.

Submissions (5):

Labcorp Genetics (formerly Invitae), Labcorp
Classification: Uncertain significance for Ataxia-telangiectasia syndrome. Last evaluated: 2025-07-02. Review status: criteria provided, single submitter. Criteria: Invitae Variant Classification Sherloc (09022015). Collection method: clinical testing. Allele origin: germline.
Comment: This sequence change replaces isoleucine, which is neutral and non-polar, with valine, which is neutral and non-polar, at codon 144 of the ATM protein (p.Ile144Val). This variant is not present in population databases (gnomAD no frequency). This missense change has been observed in individual(s) with breast cancer (PMID: 35534704). ClinVar contains an entry for this variant (Variation ID: 453513). Invitae Evidence Modeling of protein sequence and biophysical properties (such as structural, functional, and spatial information, amino acid conservation, physicochemical variation, residue mobility, and thermodynamic stability) indicates that this missense variant is not expected to disrupt ATM protein function with a negative predictive value of 95%. In summary, the available evidence is currently insufficient to determine the role of this variant in disease. Therefore, it has been classified as a Variant of Uncertain Significance.

Blueprint Genetics
Classification: Uncertain significance. Last evaluated: 2024-10-07. Review status: criteria provided, single submitter. Criteria: ACMG Guidelines, 2015. Collection method: clinical testing. Allele origin: germline.

Ambry Genetics
Classification: Uncertain significance for Hereditary cancer-predisposing syndrome. Last evaluated: 2024-07-23. Review status: criteria provided, single submitter. Criteria: Ambry Variant Classification Scheme 2023. Collection method: clinical testing. Allele origin: germline.
Comment: The p.I144V variant (also known as c.430A>G), located in coding exon 4 of the ATM gene, results from an A to G substitution at nucleotide position 430. The isoleucine at codon 144 is replaced by valine, an amino acid with highly similar properties. This amino acid position is well conserved in available vertebrate species. In addition, this alteration is predicted to be tolerated by in silico analysis. Based on the available evidence, the clinical significance of this variant remains unclear.

Color Diagnostics, LLC DBA Color Health
Classification: Uncertain significance for Hereditary cancer-predisposing syndrome. Last evaluated: 2022-06-21. Review status: criteria provided, single submitter. Criteria: ACMG Guidelines, 2015. Collection method: clinical testing. Allele origin: germline.
Comment: This missense variant replaces isoleucine with valine at codon 144 of the ATM protein. Computational prediction suggests that this variant may not impact protein structure and function (internally defined REVEL score threshold <= 0.5, PMID: 27666373). To our knowledge, functional studies have not been reported for this variant. In a large international case-control study, this variant was reported in 1/60466 breast cancer cases and absent in 53461 controls (PMID: 33471991). This variant has not been identified in the general population by the Genome Aggregation Database (gnomAD). The available evidence is insufficient to determine the role of this variant in disease conclusively. Therefore, this variant is classified as a Variant of Uncertain Significance.

Natera, Inc.
Classification: Uncertain significance for Ataxia-telangiectasia. Last evaluated: 2021-06-23. Review status: no assertion criteria provided. Collection method: clinical testing. Allele origin: germline. Not counted in ClinVar's aggregate classification.

Literature cited by the submitters: PubMed 35534704 (cited by Labcorp Genetics (formerly Invitae), Labcorp); PubMed 24728327 (cited by Ambry Genetics); PubMed 33471991 (cited by Color Diagnostics, LLC DBA Color Health).